The following is an entry in ClinVar:

NM_145868.2(ANXA11):c.842T>C (p.Ile281Thr)

Gene: ANXA11 (annexin A11; minus strand). Cytogenetic location: 10q22.3.
Variant type: single nucleotide variant.
Coding change: c.842T>C on transcript NM_145868.2 (MANE Select); coding-DNA position 842, T replaced by C.
Protein change: p.Ile281Thr; replaces isoleucine 281 with threonine.
Molecular consequence: missense variant.
Genome position (GRCh38, 1-based): chr10:80,166,100, A>G on the plus strand (T>C on the coding strand, the complement: ANXA11 is on the minus strand). VCF-style: chr10-80166100-A-G. GRCh37 (hg19) VCF-style: chr10-81925856-A-G.
Other names: c.842T>C (NM_001157.2, NM_145869.1); c.842T>C, p.Ile281Thr (NM_001157.3, NM_001278407.2, NM_001278408.2 and 1 more transcripts); c.743T>C, p.Ile248Thr (NM_001278409.2); short protein forms I248T, I281T.
Identifiers: ClinVar variation 1543703 (VCV001543703.11), dbSNP rs139232844, ClinGen allele CA5576110.

ClinVar aggregate classification (germline): Conflicting classifications of pathogenicity. Review status: criteria provided, conflicting classifications (1 of 4 stars). 3 submissions from 3 submitters: Uncertain significance (1); Likely benign (1). 1 of the submissions does not count toward it. Last evaluated 2025-11-16.

Conditions:
ANXA11-related disorder. Also called: ANXA11-related condition.
Inborn genetic diseases. Identifiers: MedGen C0950123, MeSH D030342.

Allele frequency attached by ClinVar (database versions not stated): gnomAD exomes 0.00002 and 0.00006; ExAC 0.00010; TOPMed 0.00025; gnomAD 0.00031 and 0.00034; ESP Exome Variant Server 0.00046; 1000 Genomes Project 30x 0.00047; 1000 Genomes Project 0.00060.
gnomAD v4.1: 83 of 1,602,588 alleles (0.0052%); highest among the groups gnomAD compares: African/African-American, 0.1%; no homozygotes.

Submissions (3):

Labcorp Genetics (formerly Invitae), Labcorp
Classification: Likely benign. Last evaluated: 2025-11-16. Review status: criteria provided, single submitter. Criteria: Invitae Variant Classification Sherloc (09022015). Collection method: clinical testing. Allele origin: germline.

Ambry Genetics
Classification: Uncertain significance for Inborn genetic diseases. Last evaluated: 2025-08-08. Review status: criteria provided, single submitter. Criteria: Ambry Variant Classification Scheme 2023. Collection method: clinical testing. Allele origin: germline.

PreventionGenetics, part of Exact Sciences
Classification: Likely benign for ANXA11-related condition. Last evaluated: 2023-05-31. Review status: no assertion criteria provided. Collection method: clinical testing. Allele origin: germline. Not counted in ClinVar's aggregate classification.
Comment: This variant is classified as likely benign based on ACMG/AMP sequence variant interpretation guidelines (Richards et al. 2015 PMID: 25741868, with internal and published modifications).